The following is an entry in ClinVar:

ClinVar aggregate classification (germline): Uncertain significance (1 of 4 stars; one submission).

Submission:

Ambry Genetics
Classification: Uncertain significance. Last evaluated: 2022-02-05. Review status: criteria provided, single submitter. Criteria: Ambry Variant Classification Scheme 2023. Collection method: clinical testing. Allele origin: germline.
Comment: The p.G765E variant (also known as c.2294G>A), located in coding exon 13 of the NPAT gene, results from a G to A substitution at nucleotide position 2294. The glycine at codon 765 is replaced by glutamic acid, an amino acid with similar properties. This amino acid position is conserved. In addition, the in silico prediction for this alteration is inconclusive. Since supporting evidence is limited at this time, the clinical significance of this alteration remains unclear.

NM_002519.3(NPAT):c.2294G>A (p.Gly765Glu)

Gene: NPAT (nuclear protein, coactivator of histone transcription; minus strand). Cytogenetic location: 11q22.3.
Variant type: single nucleotide variant.
Coding change: c.2294G>A on transcript NM_002519.3 (MANE Select); coding-DNA position 2294, G replaced by A.
Protein change: p.Gly765Glu; replaces glycine 765 with glutamic acid.
Molecular consequence: missense variant.
Genome position (GRCh38, 1-based): chr11:108,172,690, C>T on the plus strand (G>A on the coding strand, the complement: NPAT is on the minus strand). VCF-style: chr11-108172690-C-T. GRCh37 (hg19) VCF-style: chr11-108043417-C-T.
Other names: c.2294G>A, p.Gly765Glu (NM_001321307.1); short protein forms G765E.
Identifiers: ClinVar variation 1789151 (VCV001789151.2), dbSNP rs2496717797, ClinGen allele CA382513280.